The following is an entry in ClinVar:

NM_007294.4(BRCA1):c.518C>T (p.Pro173Leu)

Gene: BRCA1 (BRCA1 DNA repair associated; minus strand). Cytogenetic location: 17q21.31.
Variant type: single nucleotide variant.
Coding change: c.518C>T on transcript NM_007294.4 (MANE Select); coding-DNA position 518, C replaced by T.
Protein change: p.Pro173Leu; replaces proline 173 with leucine.
Molecular consequence: missense variant. On other transcripts: non-coding transcript variant (1).
Genome position (GRCh38, 1-based): chr17:43,099,804, G>A on the plus strand (C>T on the coding strand, the complement: BRCA1 is on the minus strand). VCF-style: chr17-43099804-G-A. GRCh37 (hg19) VCF-style: chr17-41251821-G-A.
Other names: c.305C>T, p.Pro102Leu (NM_001407571.1, NM_001407853.1, NM_001407894.1 and 18 more transcripts); c.518C>T, p.Pro173Leu (NM_001407581.1, NM_001407582.1, NM_001407583.1 and 97 more transcripts); c.515C>T, p.Pro172Leu (NM_001407587.1, NM_001407590.1, NM_001407591.1 and 65 more transcripts); c.509C>T, p.Pro170Leu (NM_001407646.1, NM_001407647.1, NM_001408408.1); c.440C>T, p.Pro147Leu (NM_001407653.1, NM_001407654.1, NM_001407655.1 and 12 more transcripts); c.437C>T, p.Pro146Leu (NM_001407659.1, NM_001407660.1, NM_001407661.1 and 6 more transcripts); c.377C>T, p.Pro126Leu (NM_001407692.1, NM_001407694.1, NM_001407695.1 and 61 more transcripts); c.374C>T, p.Pro125Leu (NM_001407740.1, NM_001407741.1, NM_001407742.1 and 35 more transcripts); and 4 more; short protein forms P173L, P126L, P102L, P146L, P46L, P103L, P125L, P128L.
Identifiers: ClinVar variation 952817 (VCV000952817.13), dbSNP rs2054293926, ClinGen allele CA10601105.

ClinVar aggregate classification (germline): Uncertain significance. Review status: criteria provided, multiple submitters, no conflicts (2 of 4 stars). 2 submissions from 2 submitters: Uncertain significance (2). Last evaluated 2025-03-23.

Conditions:
Hereditary breast ovarian cancer syndrome. Also called: Hereditary breast and ovarian cancer; Hereditary breast and/or ovarian cancer syndrome; Hereditary breast and ovarian cancer syndrome; Hereditary breast and ovarian cancer syndrome (HBOC); BRCA1- and BRCA2-Associated Hereditary Breast and Ovarian Cancer; Breast and ovarian cancer. Identifiers: Orphanet 145, MedGen C0677776, MeSH D061325, MONDO:0003582. Disease mechanism: loss of function.
Hereditary cancer-predisposing syndrome. Also called: Tumor predisposition; Hereditary neoplastic syndrome; Neoplastic Syndromes, Hereditary; Hereditary Cancer Syndrome. Identifiers: Orphanet 140162, MedGen C0027672, MeSH D009386, MONDO:0015356.

Submissions (2):

Labcorp Genetics (formerly Invitae), Labcorp
Classification: Uncertain significance for Hereditary breast ovarian cancer syndrome. Last evaluated: 2025-03-23. Review status: criteria provided, single submitter. Criteria: Invitae Variant Classification Sherloc (09022015). Collection method: clinical testing. Allele origin: germline.
Comment: This sequence change replaces proline, which is neutral and non-polar, with leucine, which is neutral and non-polar, at codon 173 of the BRCA1 protein (p.Pro173Leu). This variant is not present in population databases (gnomAD no frequency). This variant has not been reported in the literature in individuals affected with BRCA1-related conditions. ClinVar contains an entry for this variant (Variation ID: 952817). Invitae Evidence Modeling of protein sequence and biophysical properties (such as structural, functional, and spatial information, amino acid conservation, physicochemical variation, residue mobility, and thermodynamic stability) indicates that this missense variant is not expected to disrupt BRCA1 protein function with a negative predictive value of 80%. In summary, the available evidence is currently insufficient to determine the role of this variant in disease. Therefore, it has been classified as a Variant of Uncertain Significance.

Ambry Genetics
Classification: Uncertain significance for Hereditary cancer-predisposing syndrome. Last evaluated: 2022-05-10. Review status: criteria provided, single submitter. Criteria: Ambry Variant Classification Scheme 2023. Collection method: clinical testing. Allele origin: germline.
Comment: The p.P173L variant (also known as c.518C>T), located in coding exon 6 of the BRCA1 gene, results from a C to T substitution at nucleotide position 518. The proline at codon 173 is replaced by leucine, an amino acid with similar properties. This amino acid position is not well conserved in available vertebrate species. In addition, the in silico prediction for this alteration is inconclusive. Since supporting evidence is limited at this time, the clinical significance of this alteration remains unclear.